The following is an entry in ClinVar:

NM_006204.4(PDE6C):c.583A>G (p.Met195Val)

Gene: PDE6C (phosphodiesterase 6C; plus strand). Cytogenetic location: 10q23.33.
Variant type: single nucleotide variant.
Coding change: c.583A>G on transcript NM_006204.4 (MANE Select); coding-DNA position 583, A replaced by G.
Protein change: p.Met195Val; replaces methionine 195 with valine.
Molecular consequence: missense variant.
Genome position (GRCh38, 1-based): chr10:93,620,734, A>G. VCF-style: chr10-93620734-A-G. GRCh37 (hg19) VCF-style: chr10-95380491-A-G.
Other names: short protein forms M195V.
Identifiers: ClinVar variation 2084530 (VCV002084530.5), dbSNP rs1417733256, ClinGen allele CA377626522.

ClinVar aggregate classification (germline): Uncertain significance. Review status: criteria provided, multiple submitters, no conflicts (2 of 4 stars). 2 submissions from 2 submitters: Uncertain significance (2). Last evaluated 2022-03-27.

Allele frequency attached by ClinVar (database versions not stated): gnomAD exomes below 0.00001.

Submissions (2):

Labcorp Genetics (formerly Invitae), Labcorp
Classification: Uncertain significance. Last evaluated: 2022-03-27. Review status: criteria provided, single submitter. Criteria: Invitae Variant Classification Sherloc (09022015). Collection method: clinical testing. Allele origin: germline.
Comment: Algorithms developed to predict the effect of missense changes on protein structure and function are either unavailable or do not agree on the potential impact of this missense change (SIFT: "Deleterious"; PolyPhen-2: "Benign"; Align-GVGD: "Class C0"). This variant has not been reported in the literature in individuals affected with PDE6C-related conditions. This variant is not present in population databases (gnomAD no frequency). This sequence change replaces methionine, which is neutral and non-polar, with valine, which is neutral and non-polar, at codon 195 of the PDE6C protein (p.Met195Val). In summary, the available evidence is currently insufficient to determine the role of this variant in disease. Therefore, it has been classified as a Variant of Uncertain Significance.

Blueprint Genetics
Classification: Uncertain significance. Last evaluated: 2021-12-22. Review status: criteria provided, single submitter. Criteria: ACMG Guidelines, 2015. Collection method: clinical testing. Allele origin: germline.